The following is an entry in ClinVar:

NM_001846.4(COL4A2):c.2579G>A (p.Gly860Asp)

Gene: COL4A2 (collagen type IV alpha 2 chain; plus strand). Cytogenetic location: 13q34.
Variant type: single nucleotide variant.
Coding change: c.2579G>A on transcript NM_001846.4 (MANE Select); coding-DNA position 2579, G replaced by A.
Protein change: p.Gly860Asp; replaces glycine 860 with aspartic acid.
Molecular consequence: missense variant.
Genome position (GRCh38, 1-based): chr13:110,478,156, G>A. VCF-style: chr13-110478156-G-A. GRCh37 (hg19) VCF-style: chr13-111130503-G-A.
Other names: short protein forms G860D.
Identifiers: ClinVar variation 3719752 (VCV003719752.2).

ClinVar aggregate classification (germline): Uncertain significance (1 of 4 stars; one submission).

gnomAD v4.1: 2 of 1,592,302 alleles (0.00013%); highest among the groups gnomAD compares: Admixed American, 0.0017%; no homozygotes.

Submission:

Labcorp Genetics (formerly Invitae), Labcorp
Classification: Uncertain significance. Last evaluated: 2024-11-25. Review status: criteria provided, single submitter. Criteria: Invitae Variant Classification Sherloc (09022015). Collection method: clinical testing. Allele origin: germline.
Comment: This sequence change replaces glycine, which is neutral and non-polar, with aspartic acid, which is acidic and polar, at codon 860 of the COL4A2 protein (p.Gly860Asp). This variant is not present in population databases (gnomAD no frequency). This variant has not been reported in the literature in individuals affected with COL4A2-related conditions. Invitae Evidence Modeling of protein sequence and biophysical properties (such as structural, functional, and spatial information, amino acid conservation, physicochemical variation, residue mobility, and thermodynamic stability) has been performed for this missense variant. However, the output from this modeling did not meet the statistical confidence thresholds required to predict the impact of this variant on COL4A2 protein function. In summary, the available evidence is currently insufficient to determine the role of this variant in disease. Therefore, it has been classified as a Variant of Uncertain Significance.